The following is an entry in ClinVar:

ClinVar aggregate classification (germline): Conflicting classifications of pathogenicity. Review status: criteria provided, conflicting classifications (1 of 4 stars). 17 submissions from 17 submitters: Uncertain significance (6); Benign (1); Likely benign (10). Last evaluated 2026-01-26.

Conditions:
Hereditary cancer. Identifiers: MedGen C1333600.
ATM-related disorder. Also called: ATM-related disorders; ATM-related condition.
Hereditary cancer-predisposing syndrome. Also called: Neoplastic Syndromes, Hereditary; Hereditary Cancer Syndrome; Tumor predisposition; Hereditary neoplastic syndrome. Identifiers: Orphanet 140162, MedGen C0027672, MeSH D009386, MONDO:0015356.
Hereditary breast ovarian cancer syndrome. Also called: BRCA1- and BRCA2-Associated Hereditary Breast and Ovarian Cancer; Hereditary breast and ovarian cancer syndrome; Hereditary breast and ovarian cancer syndrome (HBOC); Hereditary breast and/or ovarian cancer syndrome; Hereditary breast and ovarian cancer; Breast and ovarian cancer. Identifiers: Orphanet 145, MedGen C0677776, MeSH D061325, MONDO:0003582. Disease mechanism: loss of function.
Ataxia-telangiectasia syndrome (AT). Also called: Ataxia-telangiectasia, complementation group D; AT, COMPLEMENTATION GROUP C; Ataxia-telangiectasia; ATAXIA-TELANGIECTASIA, COMPLEMENTATION GROUP A; ATAXIA-TELANGIECTASIA, FRESNO VARIANT; Ataxia-telangiectasia, complementation group E. Identifiers: Orphanet 100, MedGen C0004135, MONDO:0008840, OMIM 208900.
Familial cancer of breast. Also called: BREAST CANCER, FAMILIAL; hereditary breast carcinoma; Hereditary breast cancer. Identifiers: Orphanet 227535, MedGen C0346153, MONDO:0016419, OMIM 114480. Disease mechanism: loss of function.

Allele frequency attached by ClinVar (database versions not stated): gnomAD exomes 0.00006 and 0.00015; gnomAD 0.00054 and 0.00056; ESP Exome Variant Server 0.00038; TOPMed 0.00061; ExAC 0.00016.
gnomAD v4.1: 165 of 1,614,182 alleles (0.01%); highest among the groups gnomAD compares: African/African-American, 0.19%; no homozygotes.

Submissions (17):

Labcorp Genetics (formerly Invitae), Labcorp
Classification: Likely benign for Ataxia-telangiectasia syndrome. Last evaluated: 2026-01-26. Review status: criteria provided, single submitter. Criteria: Invitae Variant Classification Sherloc (09022015). Collection method: clinical testing. Allele origin: germline.

PreventionGenetics, part of Exact Sciences
Classification: Likely benign for ATM-related condition. Last evaluated: 2025-07-05. Review status: criteria provided, single submitter. Criteria: ACMG Guidelines, 2015. Collection method: clinical testing. Allele origin: germline.
Comment: This variant is classified as likely benign based on ACMG/AMP sequence variant interpretation guidelines (Richards et al. 2015 PMID: 25741868, with internal and published modifications).

Mayo Clinic Laboratories, Mayo Clinic
Classification: Likely benign. Last evaluated: 2025-06-10. Review status: criteria provided, single submitter. Criteria: ACMG Guidelines, 2015. Collection method: clinical testing. Allele origin: germline. Observed: 2 variant alleles.
Comment: BS1

GeneDx
Classification: Uncertain significance. Last evaluated: 2025-04-18. Review status: criteria provided, single submitter. Criteria: GeneDx Variant Classification Process June 2021. Collection method: clinical testing. Allele origin: germline. Affected: yes.
Comment: In silico analysis supports that this missense variant has a deleterious effect on protein structure/function; Observed in individuals with a personal and/or family history of breast cancer (PMID: 20305132, 26976419, 29684080, 31206626, 31871109, 33646313, 35039564, 35264596); This variant is associated with the following publications: (PMID: 30413523, 26976419, 26689913, 21787400, 25182519, 20305132, 23555315, 28652578, 32098697, 31871109, 33646313, 35039564, 30447919, 33606809, 29684080, 31206626, 35264596, 23532176, 35534704)

Athena Diagnostics
Classification: Likely benign. Last evaluated: 2024-09-03. Review status: criteria provided, single submitter. Criteria: Athena Diagnostics Criteria. Collection method: clinical testing. Allele origin: unknown.

Myriad Genetics, Inc.
Classification: Likely benign for Familial cancer of breast. Last evaluated: 2024-06-06. Review status: criteria provided, single submitter. Criteria: Myriad Autosomal Dominant, Autosomal Recessive and X-Linked Classification Criteria (2023). Collection method: clinical testing. Allele origin: unknown.
Comment: This variant is considered likely benign. This variant is strongly associated with less severe personal and family histories of cancer, typical for individuals without pathogenic variants in this gene [PMID: 25085752].

Mendelics
Classification: Likely benign for Hereditary cancer. Last evaluated: 2024-01-23. Review status: criteria provided, single submitter. Criteria: ACMG Guidelines, 2015. Collection method: clinical testing. Allele origin: unknown.

Quest Diagnostics Nichols Institute San Juan Capistrano
Classification: Likely benign. Last evaluated: 2022-11-17. Review status: criteria provided, single submitter. Criteria: Quest Diagnostics criteria. Collection method: clinical testing. Allele origin: unknown.

Blueprint Genetics
Classification: Uncertain significance. Last evaluated: 2022-05-04. Review status: criteria provided, single submitter. Criteria: ACMG Guidelines, 2015. Collection method: clinical testing. Allele origin: germline.

National Health Laboratory Service, Universitas Academic Hospital and University of the Free State
Classification: Uncertain significance for Hereditary breast ovarian cancer syndrome. Last evaluated: 2022-04-19. Review status: criteria provided, single submitter. Criteria: ACMG Guidelines, 2015. Collection method: clinical testing. Allele origin: germline. Affected: yes. Observed: 1 variant allele.

Women's Health and Genetics/Laboratory Corporation of America, LabCorp
Classification: Benign. Last evaluated: 2022-04-01. Review status: criteria provided, single submitter. Criteria: LabCorp Variant Classification Summary - May 2015. Collection method: clinical testing. Allele origin: germline.
Comment: Variant summary: ATM c.6543G>T (p.Glu2181Asp) results in a conservative amino acid change located in the PIK-related kinase, FAT domain (IPR003151) of the encoded protein sequence. Four of five in-silico tools predict a damaging effect of the variant on protein function. The variant allele was found at a frequency of 0.00015 in 251444 control chromosomes (gnomAD), predominantly at a frequency of 0.0022 within the African or African-American subpopulation in the gnomAD database. The observed variant frequency within African or African-American control individuals in the gnomAD database is approximately 2 fold of the estimated maximal expected allele frequency for a pathogenic variant in ATM causing the Breast Cancer phenotype (0.001), suggesting that the variant is a benign polymorphism found primarily in populations of African or African-American origin. In addition, the variant was found in 8/2559 African American women (allele frequency: 0.001563) older than 70 years of age, who had no history of cancer (FLOSSIES database). c.6543G>T has also been reported in the literature in individuals affected with Breast Cancer (e.g. Bernstein 2010, Haiman_2013, Tung 2016, Adedokun_2020, George_2021, Sandoval_2021). These reports do not provide unequivocal conclusions about association of the variant with Breast Cancer. Co-occurrences with a pathogenic variant ATM c.3049C>T (p.Gln1017X) has been seen multiple times in our lab, providing supporting evidence for a benign role. To our knowledge, no experimental evidence demonstrating an impact on protein function has been reported. Seven ClinVar submitters have assessed the variant since 2014: five have classified the variant as of uncertain significance, and two as likely benign. Some submitters cite overlapping evidence utilized in the context of this evaluation. Based on the evidence outlined above, the variant was classified as benign.

Department of Pathology and Laboratory Medicine, Sinai Health System
Classification: Uncertain significance for Familial cancer of breast. Last evaluated: 2021-07-07. Review status: criteria provided, single submitter. Criteria: ACMG Guidelines, 2015. Collection method: clinical testing. Allele origin: germline. Affected: yes.

Sema4
Classification: Likely benign for Hereditary cancer-predisposing syndrome. Last evaluated: 2021-04-21. Review status: criteria provided, single submitter. Criteria: Sema4 Curation Guidelines. Collection method: curation. Allele origin: germline.

Color Diagnostics, LLC DBA Color Health
Classification: Likely benign for Hereditary cancer-predisposing syndrome. Last evaluated: 2020-01-13. Review status: criteria provided, single submitter. Criteria: ACMG Guidelines, 2015. Collection method: clinical testing. Allele origin: germline.

Ambry Genetics
Classification: Likely benign for Hereditary cancer-predisposing syndrome. Last evaluated: 2018-07-11. Review status: criteria provided, single submitter. Criteria: Ambry Variant Classification Scheme 2023. Collection method: clinical testing. Allele origin: germline.

Genetic Services Laboratory, University of Chicago
Classification: Uncertain significance. Last evaluated: 2017-10-09. Review status: criteria provided, single submitter. Criteria: ACMG Guidelines, 2015. Collection method: clinical testing. Allele origin: germline. Affected: no.

Eurofins Ntd Llc (ga)
Classification: Uncertain significance. Last evaluated: 2016-12-01. Review status: criteria provided, single submitter. Criteria: EGL Classification Definitions 2015. Collection method: clinical testing. Allele origin: germline. Observed: 1 variant allele, 1 heterozygote.

Literature cited by the submitters: PubMed 25182519 (cited by 4 submitters); PubMed 23555315 (cited by 3 submitters); PubMed 29684080 (cited by Athena Diagnostics and Quest Diagnostics Nichols Institute San Juan Capistrano); PubMed 26689913 (cited by 4 submitters); PubMed 26976419 (cited by 5 submitters); PubMed 20305132 (cited by 4 submitters); PubMed 30413523 (cited by Athena Diagnostics and Quest Diagnostics Nichols Institute San Juan Capistrano); PubMed 28652578 (cited by 4 submitters); PubMed 31871109 (cited by 3 submitters); PubMed 30447919 (cited by 3 submitters); PubMed 35534704 (cited by Athena Diagnostics); PubMed 35264596 (cited by Athena Diagnostics); PubMed 33646313 (cited by Athena Diagnostics and Women's Health and Genetics/Laboratory Corporation of America, LabCorp); PubMed 33606809 (cited by Athena Diagnostics and Women's Health and Genetics/Laboratory Corporation of America, LabCorp); PubMed 31206626 (cited by Athena Diagnostics and Women's Health and Genetics/Laboratory Corporation of America, LabCorp); PubMed 25085752 (cited by Myriad Genetics, Inc.).

NM_000051.4(ATM):c.6543G>T (p.Glu2181Asp)

Genes: ATM (ATM serine/threonine kinase; plus strand), C11orf65 (chromosome 11 open reading frame 65; minus strand). Cytogenetic location: 11q22.3.
Variant type: single nucleotide variant.
Coding change: c.6543G>T on transcript NM_000051.4 (MANE Select); coding-DNA position 6543, G replaced by T.
Protein change: p.Glu2181Asp; replaces glutamic acid 2181 with aspartic acid.
Molecular consequence: missense variant. On other transcripts: intron variant (2).
Genome position (GRCh38, 1-based): chr11:108,321,391, G>T. VCF-style: chr11-108321391-G-T. GRCh37 (hg19) VCF-style: chr11-108192118-G-T.
Other names: p.E2181D:GAG>GAT; NP_000042.3:p.Glu2181Asp; c.6543G>T, p.Glu2181Asp (NM_001351834.2); c.641-12320C>A (NM_001330368.2); c.*39-12320C>A (NM_001351110.2); short protein forms E2181D.
Identifiers: ClinVar variation 127425 (VCV000127425.45), dbSNP rs138828590, ClinGen allele CA286937.